The following is an entry in ClinVar:

ClinVar aggregate classification (germline): Uncertain significance (1 of 4 stars; one submission).

Conditions:
Developmental and epileptic encephalopathy, 11 (DEE11). Also called: Early infantile epileptic encephalopathy 11. Identifiers: Orphanet 1934, MedGen C3150987, MONDO:0013388, OMIM 613721.
Seizures, benign familial infantile, 3 (BFIS3). Also called: CONVULSIONS, BENIGN FAMILIAL INFANTILE, 3; Familial neonatal seizures. Identifiers: Orphanet 140927, Orphanet 306, MedGen C1843140, MONDO:0011904, OMIM 607745.

Submission:

Labcorp Genetics (formerly Invitae), Labcorp
Classification: Uncertain significance for Seizures, benign familial infantile, 3; Developmental and epileptic encephalopathy, 11. Last evaluated: 2025-11-15. Review status: criteria provided, single submitter. Criteria: Invitae Variant Classification Sherloc (09022015). Collection method: clinical testing. Allele origin: germline.
Comment: This sequence change replaces phenylalanine, which is neutral and non-polar, with leucine, which is neutral and non-polar, at codon 1253 of the SCN2A protein (p.Phe1253Leu). This variant is not present in population databases (gnomAD no frequency). This variant has not been reported in the literature in individuals affected with SCN2A-related conditions. Invitae Evidence Modeling of protein sequence and biophysical properties (such as structural, functional, and spatial information, amino acid conservation, physicochemical variation, residue mobility, and thermodynamic stability) indicates that this missense variant is expected to disrupt SCN2A protein function with a positive predictive value of 95%. In summary, the available evidence is currently insufficient to determine the role of this variant in disease. Therefore, it has been classified as a Variant of Uncertain Significance.

NM_001040142.2(SCN2A):c.3759C>A (p.Phe1253Leu)

Gene: SCN2A (sodium voltage-gated channel alpha subunit 2; plus strand). Cytogenetic location: 2q24.3.
Variant type: single nucleotide variant.
Coding change: c.3759C>A on transcript NM_001040142.2 (MANE Select); coding-DNA position 3759, C replaced by A.
Protein change: p.Phe1253Leu; replaces phenylalanine 1253 with leucine.
Molecular consequence: missense variant.
Genome position (GRCh38, 1-based): chr2:165,370,209, C>A. VCF-style: chr2-165370209-C-A. GRCh37 (hg19) VCF-style: chr2-166226719-C-A.
Other names: c.3759C>A, p.Phe1253Leu (NM_001040143.2, NM_001371246.1, NM_001371247.1 and 1 more transcripts); short protein forms F1253L.
Identifiers: ClinVar variation 4789349 (VCV004789349.1).